The following is an entry in ClinVar:

NM_000179.3(MSH6):c.1642G>A (p.Asp548Asn)

Gene: MSH6 (mutS homolog 6; plus strand). Cytogenetic location: 2p16.3.
Variant type: single nucleotide variant.
Coding change: c.1642G>A on transcript NM_000179.3 (MANE Select); coding-DNA position 1642, G replaced by A.
Protein change: p.Asp548Asn; replaces aspartic acid 548 with asparagine.
Molecular consequence: missense variant.
Genome position (GRCh38, 1-based): chr2:47,799,625, G>A. VCF-style: chr2-47799625-G-A. GRCh37 (hg19) VCF-style: chr2-48026764-G-A.
Other names: c.1252G>A, p.Asp418Asn (NM_001281492.2); c.736G>A, p.Asp246Asn (NM_001281493.2, NM_001281494.2, NM_001406811.1 and 6 more transcripts); c.1738G>A, p.Asp580Asn (NM_001406795.1, NM_001406802.1); c.1642G>A, p.Asp548Asn (NM_001406796.1, NM_001406798.1, NM_001406800.1 and 3 more transcripts); c.1345G>A, p.Asp449Asn (NM_001406797.1, NM_001406801.1, NM_001406805.1 and 10 more transcripts); c.1117G>A, p.Asp373Asn (NM_001406799.1, NM_001406806.1, NM_001406807.1); c.1564G>A, p.Asp522Asn (NM_001406804.1); c.1648G>A, p.Asp550Asn (NM_001406813.1); and 1 more; short protein forms D373N, D492N, D580N, D246N, D449N, D522N, D418N, D548N.
Identifiers: ClinVar variation 1777076 (VCV001777076.3), dbSNP rs2104357887, ClinGen allele CA346747230.

ClinVar aggregate classification (germline): Uncertain significance. Review status: criteria provided, multiple submitters, no conflicts (2 of 4 stars). 2 submissions from 2 submitters: Uncertain significance (2). Last evaluated 2023-08-03.

Conditions:
Hereditary cancer-predisposing syndrome. Also called: Neoplastic Syndromes, Hereditary; Tumor predisposition; Hereditary Cancer Syndrome; Hereditary neoplastic syndrome. Identifiers: Orphanet 140162, MedGen C0027672, MeSH D009386, MONDO:0015356.
Endometrial carcinoma. Also called: Endometrial carcinoma, somatic. Identifiers: MedGen C0476089, MONDO:0002447, OMIM 608089, HP:0012114.

Submissions (2):

Baylor Genetics
Classification: Uncertain significance for Endometrial carcinoma. Last evaluated: 2023-08-03. Review status: criteria provided, single submitter. Criteria: ACMG Guidelines, 2015. Collection method: clinical testing. Allele origin: unknown.

Ambry Genetics
Classification: Uncertain significance for Hereditary cancer-predisposing syndrome. Last evaluated: 2022-10-20. Review status: criteria provided, single submitter. Criteria: Ambry Variant Classification Scheme 2023. Collection method: clinical testing. Allele origin: germline.
Comment: The p.D548N variant (also known as c.1642G>A), located in coding exon 4 of the MSH6 gene, results from a G to A substitution at nucleotide position 1642. The aspartic acid at codon 548 is replaced by asparagine, an amino acid with highly similar properties. This amino acid position is conserved. In addition, this alteration is predicted to be tolerated by in silico analysis. Since supporting evidence is limited at this time, the clinical significance of this alteration remains unclear.